The following is an entry in ClinVar:

ClinVar aggregate classification (germline): Conflicting classifications of pathogenicity. Review status: criteria provided, conflicting classifications (1 of 4 stars). 2 submissions from 2 submitters: Pathogenic (1); Uncertain significance (1). Last evaluated 2026-08-13.

Conditions:
Inborn genetic diseases. Identifiers: MedGen C0950123, MeSH D030342.

Submissions (2):

GeneDx
Classification: Pathogenic. Last evaluated: 2026-08-13. Review status: criteria provided, single submitter. Criteria: GeneDx Variant Classification Process June 2021. Collection method: clinical testing. Allele origin: germline.
Comment: Not observed at significant frequency in large population cohorts (gnomAD); In silico analysis supports that this missense variant has a deleterious effect on protein structure/function; In silico analysis supports a deleterious effect on splicing; Has not been previously published as pathogenic or benign to our knowledge

Ambry Genetics
Classification: Uncertain significance for Inborn genetic diseases. Last evaluated: 2017-03-30. Review status: criteria provided, single submitter. Criteria: Ambry exome assertion method (8-5-2015). Collection method: clinical testing. Allele origin: germline. Affected: yes. Observed: 1 variant allele.

NM_001348768.2(HECW2):c.2585G>A (p.Arg862Gln)

Gene: HECW2 (HECT, C2 and WW domain containing E3 ubiquitin protein ligase 2; minus strand). Cytogenetic location: 2q32.3.
Variant type: single nucleotide variant.
Coding change: c.2585G>A on transcript NM_001348768.2 (MANE Select); coding-DNA position 2585, G replaced by A.
Protein change: p.Arg862Gln; replaces arginine 862 with glutamine.
Molecular consequence: missense variant.
Genome position (GRCh38, 1-based): chr2:196,307,935, C>T on the plus strand (G>A on the coding strand, the complement: HECW2 is on the minus strand). VCF-style: chr2-196307935-C-T. GRCh37 (hg19) VCF-style: chr2-197172659-C-T.
Other names: c.1517G>A, p.Arg506Gln (NM_001304840.3); c.2585G>A, p.Arg862Gln (NM_020760.4); short protein forms R862Q, R506Q.
Identifiers: ClinVar variation 521619 (VCV000521619.7), dbSNP rs1553496847, ClinGen allele CA349961694.